The following is an entry in ClinVar:

NM_005732.4(RAD50):c.1552C>G (p.Leu518Val)

Gene: RAD50 (RAD50 double strand break repair protein; plus strand). Cytogenetic location: 5q31.1.
Variant type: single nucleotide variant.
Coding change: c.1552C>G on transcript NM_005732.4 (MANE Select); coding-DNA position 1552, C replaced by G.
Protein change: p.Leu518Val; replaces leucine 518 with valine.
Molecular consequence: missense variant.
Genome position (GRCh38, 1-based): chr5:132,591,323, C>G. VCF-style: chr5-132591323-C-G. GRCh37 (hg19) VCF-style: chr5-131927015-C-G.
Other names: short protein forms L518V.
Identifiers: ClinVar variation 408421 (VCV000408421.17), dbSNP rs755918415, ClinGen allele CA3405194.

ClinVar aggregate classification (germline): Uncertain significance. Review status: criteria provided, multiple submitters, no conflicts (2 of 4 stars). 3 submissions from 3 submitters: Uncertain significance (3). Last evaluated 2025-11-24.

Conditions:
Hereditary cancer-predisposing syndrome. Also called: Hereditary Cancer Syndrome; Hereditary neoplastic syndrome; Neoplastic Syndromes, Hereditary; Tumor predisposition. Identifiers: Orphanet 140162, MedGen C0027672, MeSH D009386, MONDO:0015356.

Allele frequency attached by ClinVar (database versions not stated): gnomAD exomes below 0.00001; gnomAD 0.00001; ExAC 0.00002; TOPMed 0.00002.
gnomAD v4.1: 5 of 1,613,698 alleles (0.00031%); highest among the groups gnomAD compares: East Asian, 0.0067%; no homozygotes.

Submissions (3):

Ambry Genetics
Classification: Uncertain significance for Hereditary cancer-predisposing syndrome. Last evaluated: 2025-11-24. Review status: criteria provided, single submitter. Criteria: Ambry Variant Classification Scheme 2023. Collection method: clinical testing. Allele origin: germline.
Comment: The p.L518V variant (also known as c.1552C>G), located in coding exon 10 of the RAD50 gene, results from a C to G substitution at nucleotide position 1552. The leucine at codon 518 is replaced by valine, an amino acid with highly similar properties. This amino acid position is well conserved in available vertebrate species. In addition, this alteration is predicted to be tolerated by in silico analysis. Since supporting evidence is limited at this time, the clinical significance of this alteration remains unclear.

Quest Diagnostics Nichols Institute San Juan Capistrano
Classification: Uncertain significance. Last evaluated: 2025-10-09. Review status: criteria provided, single submitter. Criteria: Quest Diagnostics criteria. Collection method: clinical testing. Allele origin: unknown.
Comment: The RAD50 c.1552C>G (p.Leu518Val) variant has been reported in the published literature in individuals with breast cancer as well as an unaffected individual (PMID: 33471991 (2021), see also LOVD). The frequency of this variant in the general population (Genome Aggregation Database) is uninformative in the assessment of its pathogenicity. Analysis of this variant using bioinformatics tools for the prediction of the effect of amino acid changes on protein structure and function yielded predictions that this variant is benign. Based on the available information, we are unable to determine the clinical significance of this variant.

Labcorp Genetics (formerly Invitae), Labcorp
Classification: Uncertain significance for Hereditary cancer-predisposing syndrome. Last evaluated: 2024-03-17. Review status: criteria provided, single submitter. Criteria: Invitae Variant Classification Sherloc (09022015). Collection method: clinical testing. Allele origin: germline.
Comment: This sequence change replaces leucine, which is neutral and non-polar, with valine, which is neutral and non-polar, at codon 518 of the RAD50 protein (p.Leu518Val). This variant is present in population databases (rs755918415, gnomAD 0.006%). This variant has not been reported in the literature in individuals affected with RAD50-related conditions. ClinVar contains an entry for this variant (Variation ID: 408421). Advanced modeling of protein sequence and biophysical properties (such as structural, functional, and spatial information, amino acid conservation, physicochemical variation, residue mobility, and thermodynamic stability) performed at Invitae indicates that this missense variant is not expected to disrupt RAD50 protein function with a negative predictive value of 80%. RNA analysis performed to evaluate the impact of this missense change on mRNA splicing indicates it does not significantly alter splicing (Invitae). In summary, the available evidence is currently insufficient to determine the role of this variant in disease. Therefore, it has been classified as a Variant of Uncertain Significance.

Literature cited by the submitters: PubMed 33471991 (cited by Quest Diagnostics Nichols Institute San Juan Capistrano).